The following is an entry in ClinVar:

ClinVar aggregate classification (germline): Likely pathogenic (1 of 4 stars; one submission).

Conditions:
Baller-Gerold syndrome (BGS). Also called: CRANIOSYNOSTOSIS WITH RADIAL DEFECTS. Identifiers: Orphanet 1225, MedGen C0265308, MONDO:0009039, OMIM 218600.

Submission:

Labcorp Genetics (formerly Invitae), Labcorp
Classification: Likely pathogenic for Baller-Gerold syndrome. Last evaluated: 2023-10-19. Review status: criteria provided, single submitter. Criteria: Invitae Variant Classification Sherloc (09022015). Collection method: clinical testing. Allele origin: germline.
Comment: This sequence change affects an acceptor splice site in intron 18 of the RECQL4 gene. It is expected to disrupt RNA splicing. Variants that disrupt the donor or acceptor splice site typically lead to a loss of protein function (PMID: 16199547), and loss-of-function variants in RECQL4 are known to be pathogenic (PMID: 12734318, 12952869). This variant is not present in population databases (gnomAD no frequency). This variant has not been reported in the literature in individuals affected with RECQL4-related conditions. Algorithms developed to predict the effect of sequence changes on RNA splicing suggest that this variant may disrupt the consensus splice site. In summary, the currently available evidence indicates that the variant is pathogenic, but additional data are needed to prove that conclusively. Therefore, this variant has been classified as Likely Pathogenic.

Literature cited by the submitters: PubMed 16199547; PubMed 12734318; PubMed 12952869.

NM_004260.4(RECQL4):c.3237-2A>G

Gene: RECQL4 (RecQ like helicase 4; minus strand). Cytogenetic location: 8q24.3.
Variant type: single nucleotide variant.
Coding change: c.3237-2A>G on transcript NM_004260.4 (MANE Select); the canonical splice acceptor site of the intron before coding-DNA position 3237, A replaced by G.
Molecular consequence: splice acceptor variant.
Genome position (GRCh38, 1-based): chr8:144,512,069, T>C on the plus strand (A>G on the coding strand, the complement: RECQL4 is on the minus strand). VCF-style: chr8-144512069-T-C. GRCh37 (hg19) VCF-style: chr8-145737452-T-C.
Other names: c.3108-2A>G (NM_001413025.1); c.2886-2A>G (NM_001413029.1); c.2100-2A>G (NM_001413032.1, NM_001413027.1, NM_001413030.1); c.2166-2A>G (NM_001413035.1, NM_001413040.1, NM_001413021.1 and 4 more transcripts); c.2943-2A>G (NM_001413017.1); c.3141-2A>G (NM_001413020.1); c.3207-2A>G (NM_001413039.1); c.3105-2A>G (NM_001413033.1); and 9 more.
Identifiers: ClinVar variation 2890530 (VCV002890530.3), dbSNP rs2537974946, ClinGen allele CA372669470.